The following is an entry in ClinVar:

ClinVar aggregate classification (germline): Uncertain significance (1 of 4 stars; one submission).

Conditions:
Intellectual developmental disorder, X-linked, syndromic 14. Also called: Syndromic X-linked intellectual disability 14. Identifiers: Orphanet 776, MedGen C1970822, MONDO:0010398, OMIM 300676.

Submission:

Labcorp Genetics (formerly Invitae), Labcorp
Classification: Uncertain significance for Intellectual developmental disorder, X-linked, syndromic 14. Last evaluated: 2025-03-13. Review status: criteria provided, single submitter. Criteria: Invitae Variant Classification Sherloc (09022015). Collection method: clinical testing. Allele origin: germline.
Comment: This sequence change replaces proline, which is neutral and non-polar, with leucine, which is neutral and non-polar, at codon 455 of the UPF3B protein (p.Pro455Leu). This variant is not present in population databases (gnomAD no frequency). This variant has not been reported in the literature in individuals affected with UPF3B-related conditions. Invitae Evidence Modeling of protein sequence and biophysical properties (such as structural, functional, and spatial information, amino acid conservation, physicochemical variation, residue mobility, and thermodynamic stability) indicates that this missense variant is not expected to disrupt UPF3B protein function with a negative predictive value of 80%. In summary, the available evidence is currently insufficient to determine the role of this variant in disease. Therefore, it has been classified as a Variant of Uncertain Significance.

NM_080632.3(UPF3B):c.1364C>T (p.Pro455Leu)

Gene: UPF3B (UPF3B regulator of nonsense mediated mRNA decay; minus strand). Cytogenetic location: Xq24.
Variant type: single nucleotide variant.
Coding change: c.1364C>T on transcript NM_080632.3 (MANE Select); coding-DNA position 1364, C replaced by T.
Protein change: p.Pro455Leu; replaces proline 455 with leucine.
Molecular consequence: missense variant.
Genome position (GRCh38, 1-based): chrX:119,834,966, G>A on the plus strand (C>T on the coding strand, the complement: UPF3B is on the minus strand). VCF-style: chrX-119834966-G-A. GRCh37 (hg19) VCF-style: chrX-118968929-G-A.
Other names: c.1325C>T, p.Pro442Leu (NM_023010.4); short protein forms P442L, P455L.
Identifiers: ClinVar variation 4701298 (VCV004701298.1).